The following is an entry in ClinVar:

ClinVar aggregate classification (germline): Likely benign (1 of 4 stars; one submission).

gnomAD v4.1: 19 of 1,546,712 alleles (0.0012%); highest among the groups gnomAD compares: Non-Finnish European, 0.0017%; no homozygotes.

Submission:

CeGaT Center for Human Genetics Tuebingen
Classification: Likely benign. Last evaluated: 2025-02-01. Review status: criteria provided, single submitter. Criteria: CeGaT Center For Human Genetics Tuebingen Variant Classification Criteria Version 2. Collection method: clinical testing. Allele origin: germline. Affected: yes. Observed: 1 variant allele.
Comment: PRR12: BP4, BP7

NM_020719.3(PRR12):c.2508T>C (p.Pro836=)

Gene: PRR12 (proline rich 12; plus strand). Cytogenetic location: 19q13.33.
Variant type: single nucleotide variant.
Coding change: c.2508T>C on transcript NM_020719.3 (MANE Select); coding-DNA position 2508, T replaced by C.
Protein change: p.Pro836=; no amino-acid change (proline 836 retained).
Molecular consequence: synonymous variant.
Genome position (GRCh38, 1-based): chr19:49,596,843, T>C. VCF-style: chr19-49596843-T-C. GRCh37 (hg19) VCF-style: chr19-50100100-T-C.
Identifiers: ClinVar variation 3771597 (VCV003771597.13).